The following is an entry in ClinVar:

ClinVar aggregate classification (germline): Likely pathogenic (1 of 4 stars; one submission).

Submission:

Labcorp Genetics (formerly Invitae), Labcorp
Classification: Likely pathogenic. Last evaluated: 2019-09-15. Review status: criteria provided, single submitter. Criteria: Invitae Variant Classification Sherloc (09022015). Collection method: clinical testing. Allele origin: germline.
Comment: In summary, the currently available evidence indicates that the variant is pathogenic, but additional data are needed to prove that conclusively. Therefore, this variant has been classified as Likely Pathogenic. Donor and acceptor splice site variants typically lead to a loss of protein function (PMID: 16199547), and loss-of-function variants in CDH23 are known to be pathogenic (PMID: 11138009, 21940737). Algorithms developed to predict the effect of sequence changes on RNA splicing suggest that this variant may disrupt the consensus splice site, but this prediction has not been confirmed by published transcriptional studies. This variant has not been reported in the literature in individuals with CDH23-related conditions. This variant is not present in population databases (ExAC no frequency). This sequence change affects a donor splice site in intron 16 of the CDH23 gene. It is expected to disrupt RNA splicing and likely results in an absent or disrupted protein product.

Literature cited by the submitters: PubMed 16199547; PubMed 11138009; PubMed 21940737.

NM_022124.6(CDH23):c.1752+2T>C

Gene: CDH23 (cadherin related 23; plus strand). Cytogenetic location: 10q22.1.
Variant type: single nucleotide variant.
Coding change: c.1752+2T>C on transcript NM_022124.6 (MANE Select); the canonical splice donor site of the intron after coding-DNA position 1752, T replaced by C.
Molecular consequence: splice donor variant.
Genome position (GRCh38, 1-based): chr10:71,677,695, T>C. VCF-style: chr10-71677695-T-C. GRCh37 (hg19) VCF-style: chr10-73437452-T-C.
Other names: c.1752+2T>C (NM_001171930.2, NM_001171931.2).
Identifiers: ClinVar variation 943736 (VCV000943736.8), dbSNP rs1864433756, ClinGen allele CA377130755.
Genomic context (GRCh38, chr10:71,677,695, plus strand): 5'-CCTACGTGGGTGCTCTGCGGGAGAACGAGCCTTCTGTCACACAGCTGGTGCGGCTCCGGG[T>C]AAGGTGCCAGGGAGCCCTGCACTCCTGCCATTTATCTTAGCCTTCTCCCTGTACTTGCTT-3'